The following is an entry in ClinVar:

ClinVar aggregate classification (germline): Uncertain significance (1 of 4 stars; one submission).

Conditions:
Hereditary cancer-predisposing syndrome. Also called: Neoplastic Syndromes, Hereditary; Tumor predisposition; Hereditary neoplastic syndrome; Hereditary Cancer Syndrome. Identifiers: Orphanet 140162, MedGen C0027672, MeSH D009386, MONDO:0015356.

Allele frequency attached by ClinVar (database versions not stated): TOPMed below 0.00001.

Submission:

Ambry Genetics
Classification: Uncertain significance for Hereditary cancer-predisposing syndrome. Last evaluated: 2024-02-25. Review status: criteria provided, single submitter. Criteria: Ambry Variant Classification Scheme 2023. Collection method: clinical testing. Allele origin: germline.
Comment: The p.M916V variant (also known as c.2746A>G), located in coding exon 27 of the RB1 gene, results from an A to G substitution at nucleotide position 2746. The methionine at codon 916 is replaced by valine, an amino acid with highly similar properties. This amino acid position is conserved. In addition, this alteration is predicted to be tolerated by in silico analysis. Based on the available evidence, the clinical significance of this alteration remains unclear.

NM_000321.3(RB1):c.2746A>G (p.Met916Val)

Gene: RB1 (RB transcriptional corepressor 1; plus strand). Cytogenetic location: 13q14.2.
Variant type: single nucleotide variant.
Coding change: c.2746A>G on transcript NM_000321.3 (MANE Select); coding-DNA position 2746, A replaced by G.
Protein change: p.Met916Val; replaces methionine 916 with valine.
Molecular consequence: missense variant.
Genome position (GRCh38, 1-based): chr13:48,480,030, A>G. VCF-style: chr13-48480030-A-G. GRCh37 (hg19) VCF-style: chr13-49054166-A-G.
Other names: c.2765A>G, p.Asn922Ser (NM_001407165.1); c.196A>G, p.Met66Val (NM_001407168.1); short protein forms M66V, M916V, N922S.
Identifiers: ClinVar variation 3231233 (VCV003231233.1), dbSNP rs1949528459, ClinGen allele CA388158381.